The following is an entry in ClinVar:

NM_000466.3(PEX1):c.1108dup (p.Ile370fs)

Gene: PEX1 (peroxisomal biogenesis factor 1; minus strand). Cytogenetic location: 7q21.2.
Variant type: Duplication.
Coding change: c.1108dup on transcript NM_000466.3 (MANE Select); coding-DNA position 1108, one base duplicated (A; older notation c.1108dupA).
Protein change: p.Ile370fs; shifts the reading frame from isoleucine 370.
Molecular consequence: frameshift variant.
Genome position (GRCh38, 1-based): chr7:92,517,407, T duplicated on the plus strand (A on the coding strand, the reverse complement: PEX1 is on the minus strand); the first of 9 consecutive T bases (chr7:92,517,407-92,517,415); duplicating any one gives the same sequence. VCF-style (leftmost placement, unchanged base first): chr7-92517406-A-AT. GRCh37 (hg19) VCF-style: chr7-92146720-A-AT.
Other names: c.1108dupA (NM_000466.2, NM_000466.3); c.1108dup, p.Ile370fs (NM_001282677.2); c.484dup, p.Ile162fs (NM_001282678.2); short protein forms I370fs, I162fs.
Identifiers: ClinVar variation 644707 (VCV000644707.59), dbSNP rs61750406, ClinGen allele CA4341491.

ClinVar aggregate classification (germline): Pathogenic/Likely pathogenic. Review status: criteria provided, multiple submitters, no conflicts (2 of 4 stars). 9 submissions from 9 submitters: Pathogenic (8); Likely pathogenic (1). Last evaluated 2026-08-06.

Conditions:
Heimler syndrome 1 (HMLR1). Also called: PEROXISOME BIOGENESIS DISORDER 1C. Identifiers: Orphanet 3220, MedGen C4551980, OMIM 234580, MONDO:0024544.
Peroxisome biogenesis disorder 1A (Zellweger) (PBD1A). Also called: Zellweger leukodystrophy; Peroxisome biogenesis disorder 1a. Identifiers: MedGen C4721541, MONDO:0008953, OMIM 214100.
PEX1-related disorder. Also called: PEX1-related condition.
Zellweger spectrum disorders (ZS). Also called: Zellweger Spectrum Disorder; Zellweger Spectrum; Zellweger syndrome; Zellweger Spectrum Disorder (ZSD). Identifiers: Orphanet 912, MedGen C0043459, MONDO:0019609.
Peroxisome biogenesis disorder 1B (PBD1B). Also called: Refsum disease, infantile form; Infantile Refsum disease; Infantile form of phytanic acid storage disease; PEROXISOME BIOGENESIS DISORDER (NEONATAL ADRENOLEUKODYSTROPHY/INFANTILE REFSUM DISEASE); INFANTILE PHYTANIC ACID STORAGE DISEASE; PEROXISOME BIOGENESIS DISORDER (NALD/IRD). Identifiers: Orphanet 44, MedGen C0282527, MONDO:0011101, OMIM 601539.
Peroxisome biogenesis disorder. Identifiers: Orphanet 79189, MedGen C1832200, MONDO:0019234. Disease mechanism: loss of function.

Submissions (9):

OLLIN Analises Genomicas, OLLIN
Classification: Pathogenic for Peroxisome biogenesis disorder 1B. Last evaluated: 2026-08-06. Review status: criteria provided, single submitter. Criteria: ACMG Guidelines 2015 PMID 25741868. Collection method: clinical testing. Allele origin: germline. Inheritance: Autosomal recessive inheritance.
Comment: This frameshift variant, located in exon 5 (of 24), has been observed in gnomAD with an allele frequency of 0.0016%, reported in ClinVar (ID: 371779) and in the scientific literature, in compound heterozygosity, in individuals with PEX1 related disorders (PMID: 16088892). This variant causes a frameshift and introduces a premature stop codon, which is predicted to result in either a truncated protein or degradation of the mRNA via nonsense-mediated decay (NMD). According to the currently available evidence, this variant has been classified as pathogenic (PVS1, PM2_P, PM3).

Natera, Inc.
Classification: Pathogenic for Zellweger syndrome. Last evaluated: 2025-06-30. Review status: criteria provided, single submitter. Criteria: Natera Variant Classification Schema (03/2026). Collection method: clinical testing. Allele origin: germline.
Comment: The c.1108dupA variant in PEX1 is a frameshift variant predicted to shift the reading frame beginning at codon 370 and leads to a stop codon 2 codons downstream. This variant is expected to result in nonsense mediated decay, truncation, or a dysfunctional protein product. This variant is rare in the general population with a frequency below the threshold expected for the associated phenotype(s). This variant has been observed in one or more individuals affected with the associated recessive disease, as either homozygous or compound heterozygous with a second variant (PMID: 16088892, 21031596). Given the available evidence, this variant is classified as Pathogenic.

3billion
Classification: Pathogenic for Peroxisome biogenesis disorder 1A (Zellweger). Last evaluated: 2025-06-16. Review status: criteria provided, single submitter. Criteria: ACMG Guidelines, 2015. Collection method: clinical testing. Allele origin: germline. Affected: yes.
Comment: The variant is observed at an extremely low frequency in the gnomAD v4.1.0 dataset (total allele frequency: 0.002%). Predicted Consequence/Location: Frameshift: predicted to result in a loss or disruption of normal protein function through nonsense-mediated decay (NMD) or protein truncation. Multiple pathogenic variants are reported downstream of the variant. The variant has been reported at least twice as pathogenic without evidence for the classification (ClinVar ID: VCV000644707 /PMID: 16088892). Therefore, this variant is classified as Pathogenic according to the recommendation of ACMG/AMP guideline.

Baylor Genetics
Classification: Pathogenic for Heimler syndrome 1. Last evaluated: 2024-02-27. Review status: criteria provided, single submitter. Criteria: ACMG Guidelines, 2015. Collection method: clinical testing. Allele origin: unknown.

Labcorp Genetics (formerly Invitae), Labcorp
Classification: Pathogenic for Zellweger spectrum disorders. Last evaluated: 2024-01-31. Review status: criteria provided, single submitter. Criteria: Invitae Variant Classification Sherloc (09022015). Collection method: clinical testing. Allele origin: germline.
Comment: This sequence change creates a premature translational stop signal (p.Ile370Asnfs*2) in the PEX1 gene. It is expected to result in an absent or disrupted protein product. Loss-of-function variants in PEX1 are known to be pathogenic (PMID: 21031596, 26387595, 31831025). The frequency data for this variant in the population databases is considered unreliable, as metrics indicate poor data quality at this position in the gnomAD database. This premature translational stop signal has been observed in individual(s) with Zellweger syndrome (PMID: 16088892). This variant is also known as c.1108_1109insA. ClinVar contains an entry for this variant (Variation ID: 644707). Algorithms developed to predict the effect of sequence changes on RNA splicing suggest that this variant may disrupt the consensus splice site. For these reasons, this variant has been classified as Pathogenic.

Johns Hopkins Genomics, Johns Hopkins University
Classification: Pathogenic for Peroxisome biogenesis disorder 1A (Zellweger). Last evaluated: 2019-04-28. Review status: criteria provided, single submitter. Criteria: ACMG Guidelines, 2015. Collection method: clinical testing. Allele origin: germline.

Women's Health and Genetics/Laboratory Corporation of America, LabCorp
Classification: Pathogenic for Peroxisome biogenesis disorders, Zellweger syndrome spectrum. Last evaluated: 2019-03-04. Review status: criteria provided, single submitter. Criteria: LabCorp Variant Classification Summary - May 2015. Collection method: clinical testing. Allele origin: germline.
Comment: Variant summary: PEX1 c.1108dupA (p.Ile370AsnfsX2) results in a premature termination codon, predicted to cause a truncation of the encoded protein or absence of the protein due to nonsense mediated decay, which are commonly known mechanisms for disease. Truncations downstream of this position have been classified as pathogenic by our laboratory (eg. c.2097dupT (p.Ile700fsX42), c.2368C>T (p.Arg790X), and c.2916delA (p.Gly973fsX16)). The variant allele was found at a frequency of 1.7e-05 in 240452 control chromosomes (gnomAD). c.1108dupA has been reported in the literature in individuals affected with Zellweger Syndrome (Ebberink_2010, Maxwell_2005). These data indicate that the variant may be associated with disease. To our knowledge, no experimental evidence demonstrating an impact on protein function has been reported. No clinical diagnostic laboratories have submitted clinical-significance assessments for this variant to ClinVar after 2014. Based on the evidence outlined above, the variant was classified as pathogenic.

CeGaT Center for Human Genetics Tuebingen
Classification: Pathogenic. Last evaluated: 2019-03-01. Review status: criteria provided, single submitter. Criteria: CeGaT Center For Human Genetics Tuebingen Variant Classification Criteria Version 2. Collection method: clinical testing. Allele origin: germline. Affected: yes. Observed: 4 variant alleles.

Blueprint Genetics
Classification: Likely pathogenic for PEX1-related disorders. Last evaluated: 2019-01-08. Review status: criteria provided, single submitter. Criteria: ACMG Guidelines, 2015. Collection method: clinical testing. Allele origin: germline. Affected: yes. Observed: 2 variant alleles.

Literature cited by the submitters: PubMed 16088892 (cited by 5 submitters); PubMed 21031596 (cited by Natera, Inc. and Labcorp Genetics (formerly Invitae), Labcorp); PubMed 26387595 (cited by Labcorp Genetics (formerly Invitae), Labcorp); PubMed 31831025 (cited by Labcorp Genetics (formerly Invitae), Labcorp); PubMed 19877282 (cited by Women's Health and Genetics/Laboratory Corporation of America, LabCorp).